The following is an entry in ClinVar:

NM_006907.4(PYCR1):c.*321G>A

Gene: PYCR1 (pyrroline-5-carboxylate reductase 1; minus strand). Cytogenetic location: 17q25.3.
Variant type: single nucleotide variant.
Coding change: c.*321G>A on transcript NM_006907.4 (MANE Select); 321 bases downstream of the stop codon, G replaced by A.
Molecular consequence: 3 prime UTR variant. On other transcripts: missense variant (1).
Genome position (GRCh38, 1-based): chr17:81,932,893, C>T on the plus strand (G>A on the coding strand, the complement: PYCR1 is on the minus strand). VCF-style: chr17-81932893-C-T. GRCh37 (hg19) VCF-style: chr17-79890769-C-T.
Other names: c.*321G>A (NM_001282279.2, NM_001282280.2, NM_001282281.2); c.*463G>A (NM_001330523.2); c.938G>A, p.Arg313Gln (NM_153824.3); short protein forms R313Q.
Identifiers: ClinVar variation 3344648 (VCV003344648.1).

ClinVar aggregate classification (germline): Uncertain significance (0 of 4 stars; one submission).

Conditions:
PYCR1-related disorder. Also called: PYCR1-related condition.

Submission:

PreventionGenetics, part of Exact Sciences
Classification: Uncertain significance for PYCR1-related condition. Last evaluated: 2024-07-26. Review status: no assertion criteria provided. Collection method: clinical testing. Allele origin: germline.
Comment: The PYCR1 c.938G>A variant is predicted to result in the amino acid substitution p.Arg313Gln. To our knowledge, this variant has not been reported in the literature. This variant is reported in 0.0018% of alleles in individuals of European (Non-Finnish) descent in gnomAD. At this time, the clinical significance of this variant is uncertain due to the absence of conclusive functional and genetic evidence.